The following is an entry in ClinVar:

NM_014244.5(ADAMTS2):c.1629+940A>T

Gene: ADAMTS2 (ADAM metallopeptidase with thrombospondin type 1 motif 2; minus strand). Cytogenetic location: 5q35.3.
Variant type: single nucleotide variant.
Coding change: c.1629+940A>T on transcript NM_014244.5 (MANE Select); 940 bases into the intron after coding-DNA position 1629, A replaced by T.
Molecular consequence: intron variant. On other transcripts: splice acceptor variant (1).
Genome position (GRCh38, 1-based): chr5:179,151,202, T>A on the plus strand (A>T on the coding strand, the complement: ADAMTS2 is on the minus strand). VCF-style: chr5-179151202-T-A. GRCh37 (hg19) VCF-style: chr5-178578203-T-A.
Other names: c.1630-2A>T (NM_021599.4).
Identifiers: ClinVar variation 5003406 (VCV005003406.1).
Genomic context (GRCh38, chr5:179,151,202, plus strand): 5'-CTACCTTGGCCTCCCAAAGTGCTGGGATAACAGGCATGAGCCACCGCGCCCGGCCTGAAC[T>A]GTGTAAAGTGGTTCAGATAGTGAATTTTGTGAGAATTTTTACCATAGTTTAAAAAAGAAC-3'

ClinVar aggregate classification (germline): Uncertain significance (1 of 4 stars; one submission).

Conditions:
Ehlers-Danlos syndrome, dermatosparaxis type. Also called: Ehlers-Danlos syndrome, type VII, autosomal recessive; Dermatosparaxis; EDS VIIC. Identifiers: Orphanet 1901, MedGen C2700425, MONDO:0009161, OMIM 225410.

Submission:

Myriad Genetics, Inc.
Classification: Uncertain significance for Ehlers-Danlos syndrome, dermatosparaxis type. Last evaluated: 2026-01-05. Review status: criteria provided, single submitter. Criteria: Myriad Autosomal Dominant, Autosomal Recessive and X-Linked Classification Criteria (2023). Collection method: clinical testing. Allele origin: unknown.
Comment: NM_014244.4(ADAMTS2):c.1629+940A>T is an intronic variant classified as in the context of Ehlers-Danlos syndrome, ADAMTS2-related. c.1629+940A>T has not been observed in cases with relevant disease. Relevant functional assessments of this variant are not available in the literature. c.1629+940A>T has not been observed in referenced population frequency databases. . Please note: this variant was assessed in the context of healthy population screening.